The following is an entry in ClinVar:

ClinVar aggregate classification (germline): Uncertain significance. Review status: criteria provided, multiple submitters, no conflicts (2 of 4 stars). 2 submissions from 2 submitters: Uncertain significance (2). Last evaluated 2026-06-22.

Conditions:
Hereditary cancer-predisposing syndrome. Also called: Hereditary Cancer Syndrome; Hereditary neoplastic syndrome; Neoplastic Syndromes, Hereditary; Tumor predisposition. Identifiers: Orphanet 140162, MedGen C0027672, MeSH D009386, MONDO:0015356.

Submissions (2):

Ambry Genetics
Classification: Uncertain significance for Hereditary cancer-predisposing syndrome. Last evaluated: 2026-06-22. Review status: criteria provided, single submitter. Criteria: Ambry Variant Classification Scheme 2023. Collection method: clinical testing. Allele origin: germline.

Color Diagnostics, LLC DBA Color Health
Classification: Uncertain significance for Hereditary cancer-predisposing syndrome. Last evaluated: 2024-12-17. Review status: criteria provided, single submitter. Criteria: ACMG Guidelines, 2015. Collection method: clinical testing. Allele origin: germline.
Comment: This missense variant replaces histidine with leucine at codon 238 of the BRCA1 protein. Computational prediction is inconclusive regarding the impact of this variant on protein structure and function. To our knowledge, functional studies have not been reported for this variant. This variant has not been reported in individuals affected with BRCA1-related disorders in the literature. This variant has not been identified in the general population by the Genome Aggregation Database (gnomAD). The available evidence is insufficient to determine the role of this variant in disease conclusively. Therefore, this variant is classified as a Variant of Uncertain Significance.

NM_007294.4(BRCA1):c.713A>T (p.His238Leu)

Gene: BRCA1 (BRCA1 DNA repair associated; minus strand). Cytogenetic location: 17q21.31.
Variant type: single nucleotide variant.
Coding change: c.713A>T on transcript NM_007294.4 (MANE Select); coding-DNA position 713, A replaced by T.
Protein change: p.His238Leu; replaces histidine 238 with leucine.
Molecular consequence: missense variant. On other transcripts: intron variant (13), 5 prime UTR variant (2).
Genome position (GRCh38, 1-based): chr17:43,094,818, T>A on the plus strand (A>T on the coding strand, the complement: BRCA1 is on the minus strand). VCF-style: chr17-43094818-T-A. GRCh37 (hg19) VCF-style: chr17-41246835-T-A.
Other names: c.713A>T, p.His238Leu (NM_001407597.1, NM_001407598.1, NM_001407602.1 and 53 more transcripts); c.710A>T, p.His237Leu (NM_001407610.1, NM_001407611.1, NM_001407612.1 and 38 more transcripts); c.704A>T, p.His235Leu (NM_001407646.1, NM_001407647.1, NM_001408408.1); c.590A>T, p.His197Leu (NM_001407648.1, NM_001407665.1, NM_001407666.1 and 34 more transcripts); c.587A>T, p.His196Leu (NM_001407649.1, NM_001407670.1, NM_001407671.1 and 20 more transcripts); c.635A>T, p.His212Leu (NM_001407653.1, NM_001407654.1, NM_001407655.1 and 9 more transcripts); c.572A>T, p.His191Leu (NM_001407692.1, NM_001407694.1, NM_001407729.1 and 43 more transcripts); c.569A>T, p.His190Leu (NM_001407748.1, NM_001407749.1, NM_001407838.1 and 26 more transcripts); and 20 more; short protein forms H110L, H111L, H126L, H127L, H149L, H150L, H167L, H168L.
Identifiers: ClinVar variation 3894301 (VCV003894301.3).